The following is an entry in ClinVar:

ClinVar aggregate classification (germline): Benign/Likely benign. Review status: criteria provided, multiple submitters, no conflicts (2 of 4 stars). 4 submissions from 4 submitters: Benign (2); Likely benign (2). Last evaluated 2025-05-29.

Conditions:
Hereditary cancer-predisposing syndrome. Also called: Neoplastic Syndromes, Hereditary; Hereditary Cancer Syndrome; Tumor predisposition; Hereditary neoplastic syndrome. Identifiers: Orphanet 140162, MedGen C0027672, MeSH D009386, MONDO:0015356.
Tuberous sclerosis 2 (TSC2). Identifiers: Orphanet 805, MedGen C1860707, MONDO:0013199, OMIM 613254.

Submissions (4):

Myriad Genetics, Inc.
Classification: Benign for Tuberous sclerosis 2. Last evaluated: 2025-05-29. Review status: criteria provided, single submitter. Criteria: Myriad Autosomal Dominant, Autosomal Recessive and X-Linked Classification Criteria (2023). Collection method: clinical testing. Allele origin: unknown.
Comment: This variant is considered benign. This variant is a silent/synonymous amino acid change and it is not expected to impact splicing.

Labcorp Genetics (formerly Invitae), Labcorp
Classification: Likely benign for Tuberous sclerosis 2. Last evaluated: 2024-04-29. Review status: criteria provided, single submitter. Criteria: Invitae Variant Classification Sherloc (09022015). Collection method: clinical testing. Allele origin: germline.

Genome-Nilou Lab
Classification: Benign for Tuberous sclerosis 2. Last evaluated: 2021-11-07. Review status: criteria provided, single submitter. Criteria: ACMG Guidelines, 2015. Collection method: clinical testing. Allele origin: germline. Affected: no.

Ambry Genetics
Classification: Likely benign for Hereditary cancer-predisposing syndrome. Last evaluated: 2019-04-05. Review status: criteria provided, single submitter. Criteria: Ambry Variant Classification Scheme 2023. Collection method: clinical testing. Allele origin: germline.

NM_000548.5(TSC2):c.3459C>G (p.Ala1153=)

Gene: TSC2 (TSC complex subunit 2; plus strand). Cytogenetic location: 16p13.3.
Variant type: single nucleotide variant.
Coding change: c.3459C>G on transcript NM_000548.5 (MANE Select); coding-DNA position 3459, C replaced by G.
Protein change: p.Ala1153=; no amino-acid change (alanine 1153 retained).
Molecular consequence: synonymous variant.
Genome position (GRCh38, 1-based): chr16:2,080,226, C>G. VCF-style: chr16-2080226-C-G. GRCh37 (hg19) VCF-style: chr16-2130227-C-G.
Other names: c.3327C>G, p.Ala1109= (NM_001077183.3, NM_001370404.1); c.3459C>G, p.Ala1153= (NM_001114382.3); c.3219C>G, p.Ala1073= (NM_001318827.2); c.3183C>G, p.Ala1061= (NM_001318829.2); c.2727C>G, p.Ala909= (NM_001318831.2); c.3360C>G, p.Ala1120= (NM_001318832.2); c.3330C>G, p.Ala1110= (NM_001363528.2, NM_001370405.1, NM_021055.3).
Identifiers: ClinVar variation 797172 (VCV000797172.17), dbSNP rs1596389837, ClinGen allele CA493042857.